The following is an entry in ClinVar:

ClinVar aggregate classification (germline): Pathogenic. Review status: criteria provided, single submitter (1 of 4 stars). 2 submissions from 2 submitters: Pathogenic (1). 1 of the submissions does not count toward it. Last evaluated 2024-10-09.

Conditions:
EBV-positive nodal T- and NK-cell lymphoma.

Allele frequency attached by ClinVar (database versions not stated): gnomAD exomes below 0.00001.
gnomAD v4.1: 1 of 1,614,080 alleles (0.000062%); highest among the groups gnomAD compares: Non-Finnish European, 0.000085%; no homozygotes.

Submissions (2):

Labcorp Genetics (formerly Invitae), Labcorp
Classification: Pathogenic. Last evaluated: 2024-10-09. Review status: criteria provided, single submitter. Criteria: Invitae Variant Classification Sherloc (09022015). Collection method: clinical testing. Allele origin: germline.
Comment: This sequence change creates a premature translational stop signal (p.Gln742*) in the TET2 gene. It is expected to result in an absent or disrupted protein product. Loss-of-function variants in TET2 are known to be pathogenic (PMID: 36066697). This variant is not present in population databases (gnomAD no frequency). This variant has not been reported in the literature in individuals affected with TET2-related conditions. For these reasons, this variant has been classified as Pathogenic.

Department of Clinical Pathology, School of Medicine, Fujita Health University
Classification: Pathogenic for EBV-positive nodal T- and NK-cell lymphoma. Review status: no assertion criteria provided. Collection method: research. Allele origin: unknown. Affected: yes. Not counted in ClinVar's aggregate classification.

Literature cited by the submitters: PubMed 36066697 (cited by Labcorp Genetics (formerly Invitae), Labcorp).

NM_001127208.3(TET2):c.2224C>T (p.Gln742Ter)

Genes: TET2 (tet methylcytosine dioxygenase 2; plus strand), TET2-AS1 (TET2 antisense RNA 1; minus strand). Cytogenetic location: 4q24.
Variant type: single nucleotide variant.
Coding change: c.2224C>T on transcript NM_001127208.3 (MANE Select); coding-DNA position 2224, C replaced by T.
Protein change: p.Gln742Ter; replaces glutamine 742 with a stop codon.
Molecular consequence: nonsense.
Genome position (GRCh38, 1-based): chr4:105,236,166, C>T. VCF-style: chr4-105236166-C-T. GRCh37 (hg19) VCF-style: chr4-106157323-C-T.
Other names: c.2224C>T, p.Gln742Ter (NM_017628.4); short protein forms Q742*.
Identifiers: ClinVar variation 2681597 (VCV002681597.3), dbSNP rs2110232389.